The following is an entry in ClinVar:

ClinVar aggregate classification (germline): Uncertain significance (1 of 4 stars; one submission).

Conditions:
Familial meningioma. Also called: Meningioma, familial, susceptibility to. Identifiers: Orphanet 263662, MedGen C3551915, MONDO:0011789, OMIM 607174.

Submission:

Labcorp Genetics (formerly Invitae), Labcorp
Classification: Uncertain significance for Familial meningioma. Last evaluated: 2023-05-18. Review status: criteria provided, single submitter. Criteria: Invitae Variant Classification Sherloc (09022015). Collection method: clinical testing. Allele origin: germline.
Comment: This sequence change falls in intron 10 of the SMARCE1 gene. It does not directly change the encoded amino acid sequence of the SMARCE1 protein. It affects a nucleotide within the consensus splice site. This variant is not present in population databases (gnomAD no frequency). This variant has not been reported in the literature in individuals affected with SMARCE1-related conditions. Variants that disrupt the consensus splice site are a relatively common cause of aberrant splicing (PMID: 17576681, 9536098). Algorithms developed to predict the effect of sequence changes on RNA splicing suggest that this variant is not likely to affect RNA splicing. In summary, the available evidence is currently insufficient to determine the role of this variant in disease. Therefore, it has been classified as a Variant of Uncertain Significance.

Literature cited by the submitters: PubMed 17576681; PubMed 9536098.

NM_003079.5(SMARCE1):c.1027+6C>A

Gene: SMARCE1 (SWI/SNF related BAF chromatin remodeling complex subunit E1; minus strand). Cytogenetic location: 17q21.2.
Variant type: single nucleotide variant.
Coding change: c.1027+6C>A on transcript NM_003079.5 (MANE Select); 6 bases into the intron after coding-DNA position 1027, C replaced by A.
Molecular consequence: intron variant.
Genome position (GRCh38, 1-based): chr17:40,630,708, G>T on the plus strand (C>A on the coding strand, the complement: SMARCE1 is on the minus strand). VCF-style: chr17-40630708-G-T. GRCh37 (hg19) VCF-style: chr17-38786960-G-T.
Identifiers: ClinVar variation 2865461 (VCV002865461.3), dbSNP rs1245988748, ClinGen allele CA2576261910.
Genomic context (GRCh38, chr17:40,630,708, plus strand): 5'-AACCTAAATTAAAGACAGCCGTACAAAGTCTTGGCACTGCCTCTGCGTTTGTTGCTAGTG[G>T]GTTACCTGTCTCCATCGGAATGTTCTCGTCGTCTTTCTTCTCCTCGCCTTTGTTAGCTGC-3'